The following is an entry in ClinVar:

ClinVar aggregate classification (germline): Uncertain significance. Review status: criteria provided, multiple submitters, no conflicts (2 of 4 stars). 6 submissions from 6 submitters: Uncertain significance (6). Last evaluated 2025-12-29.

Conditions:
Malignant hyperthermia, susceptibility to, 1 (MHS1). Also called: RYR1-Related Malignant Hyperthermia Susceptibility; Anesthesia related hyperthermia; Malignant hyperpyrexia; Fulminating hyperpyrexia; Pharmacogenic myopathy; Malignant hyperthermia suceptibility 1. Identifiers: Orphanet 423, MedGen C2930980, MONDO:0007783, OMIM 145600.
Congenital myopathy with fiber type disproportion. Also called: Congenital fiber-type disproportion myopathy; Congenital fiber-type disproportion. Identifiers: Orphanet 2020, MedGen C0546264, MONDO:0009711. Inheritance: all.
Central core myopathy (CMYO1A). Also called: CONGENITAL MYOPATHY 1A, AUTOSOMAL DOMINANT, WITH SUSCEPTIBILITY TO MALIGNANT HYPERTHERMIA; Central core disease; Myopathy, central fibrillar. Identifiers: Orphanet 597, MedGen C5830701, MONDO:0007294, OMIM 117000.
Congenital multicore myopathy with external ophthalmoplegia (CMYO1B). Also called: Congenital myopathy 1B, autosomal recessive; Minicore myopathy; Minicore myopathy with external ophthalmoplegia; MULTIMINICORE DISEASE WITH EXTERNAL OPHTHALMOPLEGIA; MULTICORE MYOPATHY. Identifiers: Orphanet 598, Orphanet 98905, MedGen C1850674, MONDO:0009712, OMIM 255320, HP:0003789.
King Denborough syndrome (KDS). Identifiers: MedGen C1840365, MONDO:0020485, OMIM 619542.
RYR1-related disorder. Also called: RYR1-related disorders; RYR1-related condition. Identifiers: MedGen CN239331.
Inborn genetic diseases. Identifiers: MedGen C0950123, MeSH D030342.

Allele frequency attached by ClinVar (database versions not stated): gnomAD 0.00001 and 0.00003; TOPMed 0.00002; ExAC 0.00003; gnomAD exomes 0.00003; 1000 Genomes Project 30x 0.00031; 1000 Genomes Project 0.00040.
gnomAD v4.1: 49 of 1,614,108 alleles (0.003%); highest among the groups gnomAD compares: East Asian, 0.0089%; no homozygotes.

Submissions (6):

Labcorp Genetics (formerly Invitae), Labcorp
Classification: Uncertain significance for RYR1-related disorder. Last evaluated: 2025-12-29. Review status: criteria provided, single submitter. Criteria: Invitae Variant Classification Sherloc (09022015). Collection method: clinical testing. Allele origin: germline.
Comment: This sequence change replaces proline, which is neutral and non-polar, with leucine, which is neutral and non-polar, at codon 2693 of the RYR1 protein (p.Pro2693Leu). This variant is present in population databases (rs568662364, gnomAD 0.02%). This variant has not been reported in the literature in individuals affected with RYR1-related conditions. ClinVar contains an entry for this variant (Variation ID: 872587). Invitae Evidence Modeling of protein sequence and biophysical properties (such as structural, functional, and spatial information, amino acid conservation, physicochemical variation, residue mobility, and thermodynamic stability) indicates that this missense variant is not expected to disrupt RYR1 protein function with a negative predictive value of 80%. In summary, the available evidence is currently insufficient to determine the role of this variant in disease. Therefore, it has been classified as a Variant of Uncertain Significance.

GeneDx
Classification: Uncertain significance. Last evaluated: 2025-05-27. Review status: criteria provided, single submitter. Criteria: GeneDx Variant Classification Process June 2021. Collection method: clinical testing. Allele origin: germline. Affected: yes.
Comment: In silico analysis supports that this missense variant has a deleterious effect on protein structure/function; Has not been previously published as pathogenic or benign to our knowledge; This variant is associated with the following publications: (PMID: 12668474)

Color Diagnostics, LLC DBA Color Health
Classification: Uncertain significance for Malignant hyperthermia, susceptibility to, 1. Last evaluated: 2024-02-13. Review status: criteria provided, single submitter. Criteria: ACMG Guidelines, 2015. Collection method: clinical testing. Allele origin: germline.
Comment: This missense variant replaces proline with leucine at codon 2693 of the RYR1 protein. Computational prediction suggests that this variant may not impact protein structure and function. To our knowledge, functional studies have not been reported for this variant. This variant has not been reported in individuals affected with RYR1-related disorders in the literature. This variant has been identified in 8/282814 chromosomes in the general population by the Genome Aggregation Database (gnomAD). The available evidence is insufficient to determine the role of this variant in disease conclusively. Therefore, this variant is classified as a Variant of Uncertain Significance.

Ambry Genetics
Classification: Uncertain significance for Inborn genetic diseases. Last evaluated: 2024-01-04. Review status: criteria provided, single submitter. Criteria: Ambry Variant Classification Scheme 2023. Collection method: clinical testing. Allele origin: germline.

Fulgent Genetics
Classification: Uncertain significance for Central core myopathy; Malignant hyperthermia, susceptibility to, 1; Congenital myopathy 4A, autosomal dominant; Congenital multicore myopathy with external ophthalmoplegia; King Denborough syndrome. Last evaluated: 2021-07-19. Review status: criteria provided, single submitter. Criteria: ACMG Guidelines, 2015. Collection method: clinical testing. Allele origin: unknown.

CeGaT Center for Human Genetics Tuebingen
Classification: Uncertain significance. Last evaluated: 2020-03-01. Review status: criteria provided, single submitter. Criteria: CeGaT Center For Human Genetics Tuebingen Variant Classification Criteria Version 2. Collection method: clinical testing. Allele origin: germline. Affected: yes. Observed: 3 variant alleles.

NM_000540.3(RYR1):c.8078C>T (p.Pro2693Leu)

Gene: RYR1 (ryanodine receptor 1; plus strand). Cytogenetic location: 19q13.2.
Variant type: single nucleotide variant.
Coding change: c.8078C>T on transcript NM_000540.3 (MANE Select); coding-DNA position 8078, C replaced by T.
Protein change: p.Pro2693Leu; replaces proline 2693 with leucine.
Molecular consequence: missense variant.
Genome position (GRCh38, 1-based): chr19:38,504,758, C>T. VCF-style: chr19-38504758-C-T. GRCh37 (hg19) VCF-style: chr19-38995398-C-T.
Other names: c.8078C>T, p.Pro2693Leu (NM_001042723.2); short protein forms P2693L.
Identifiers: ClinVar variation 872587 (VCV000872587.47), dbSNP rs568662364, ClinGen allele CA083086.